The following is an entry in ClinVar:

NC_000020.10:g.(60864387_60866758)_(60871240_?)dup

Gene: OSBPL2 (oxysterol binding protein like 2; plus strand). Cytogenetic location: 20q13.33.
Variant type: Duplication.
Identifiers: ClinVar variation 3768301 (VCV003768301.1).

ClinVar aggregate classification (germline): Uncertain significance (1 of 4 stars; one submission).

Submission:

Women's Health and Genetics/Laboratory Corporation of America, LabCorp
Classification: Uncertain significance. Last evaluated: 2024-12-03. Review status: criteria provided, single submitter. Criteria: LabCorp Variant Classification Summary - May 2015. Collection method: clinical testing. Allele origin: germline.
Comment: Variant summary: The variant involves the duplication of exons 13-14 in the OSBPL2 gene. A presumed nomenclature of c.(1249+1_1250-1)_(*2297_?)dup has been designated for the purposes of this classification. The exact breakpoint at the 3' end of this variant is unknown, therefore this duplication may extend downstream of the annotated region of the gene. As it duplicates the termination codon, its effect on the encoded protein is unknown. The frequency of this variant in the general population could not be determined as the technology used for large population databases (ExAC, gnomAD, ESP, 1000G) cannot detect variants of this type. The available data on variant occurrences in the general population are insufficient to allow any conclusion about variant significance. To our knowledge, no occurrence of c.(1249+1_1250-1)_(*2297_?)dup in individuals affected with Deafness, Autosomal Dominant 67 and no experimental evidence demonstrating its impact on protein function have been reported. No submitters have cited clinical-significance assessments for this variant to ClinVar. Based on the evidence outlined above, the variant was classified as uncertain significance.